The following is an entry in ClinVar:

ClinVar aggregate classification (germline): Uncertain significance (1 of 4 stars; one submission).

Conditions:
Fanconi anemia (FA). Also called: Fanconi's anemia. Identifiers: Orphanet 84, MedGen C0015625, MeSH D005199, MONDO:0019391.

Allele frequency attached by ClinVar (database versions not stated): TOPMed 0.00001.

Submission:

Labcorp Genetics (formerly Invitae), Labcorp
Classification: Uncertain significance for Fanconi anemia. Last evaluated: 2024-05-04. Review status: criteria provided, single submitter. Criteria: Invitae Variant Classification Sherloc (09022015). Collection method: clinical testing. Allele origin: germline.
Comment: This sequence change replaces asparagine, which is neutral and polar, with serine, which is neutral and polar, at codon 1292 of the FANCI protein (p.Asn1292Ser). This variant is not present in population databases (gnomAD no frequency). This variant has not been reported in the literature in individuals affected with FANCI-related conditions. ClinVar contains an entry for this variant (Variation ID: 1024599). Algorithms developed to predict the effect of missense changes on protein structure and function output the following: SIFT: "Not Available"; PolyPhen-2: "Benign"; Align-GVGD: "Not Available". The serine amino acid residue is found in multiple mammalian species, which suggests that this missense change does not adversely affect protein function. In summary, the available evidence is currently insufficient to determine the role of this variant in disease. Therefore, it has been classified as a Variant of Uncertain Significance.

NM_001113378.2(FANCI):c.3875A>G (p.Asn1292Ser)

Gene: FANCI (FA complementation group I; plus strand). Cytogenetic location: 15q26.1.
Variant type: single nucleotide variant.
Coding change: c.3875A>G on transcript NM_001113378.2 (MANE Select); coding-DNA position 3875, A replaced by G.
Protein change: p.Asn1292Ser; replaces asparagine 1292 with serine.
Molecular consequence: missense variant.
Genome position (GRCh38, 1-based): chr15:89,315,340, A>G. VCF-style: chr15-89315340-A-G. GRCh37 (hg19) VCF-style: chr15-89858571-A-G.
Other names: c.3596A>G, p.Asn1199Ser (NM_001376910.1); c.3875A>G, p.Asn1292Ser (NM_001376911.1); c.3695A>G, p.Asn1232Ser (NM_018193.3); short protein forms N1199S, N1232S, N1292S.
Identifiers: ClinVar variation 1024599 (VCV001024599.8), dbSNP rs2055185392, ClinGen allele CA393744806.